The following is an entry in ClinVar:

ClinVar aggregate classification (germline): Pathogenic (1 of 4 stars; one submission).

Submission:

GeneDx
Classification: Pathogenic. Last evaluated: 2015-03-27. Review status: criteria provided, single submitter. Criteria: GeneDx Variant Classification (06012015). Collection method: clinical testing. Allele origin: germline. Affected: yes.
Comment: The c.581dupA variant in the TSC2 gene causes a frameshift starting with codon Tyrosine 194 and createsa premature stop codon, denoted p.Y194X. This variant is predicted to cause loss of normal protein functioneither through protein truncation or nonsense-mediated mRNA decay. It was not observed in approximately6,500 individuals of European and African American ancestry in the NHLBI Exome Sequencing Project,indicating it is not a common benign variant in these populations. Other single base pair duplications as well asnonsense variants in TSC2 have been reported in the Human Gene Mutation Database in association withtuberous sclerosis (Stenson et al., 2014). Although the c.581dupA variant has not been reported previouslyto our knowledge, we interpret it as pathogenic.

NM_000548.5(TSC2):c.581dup (p.Tyr194Ter)

Gene: TSC2 (TSC complex subunit 2; plus strand). Cytogenetic location: 16p13.3.
Variant type: Duplication.
Coding change: c.581dup on transcript NM_000548.5 (MANE Select); coding-DNA position 581, one base duplicated (A; older notation c.581dupA).
Protein change: p.Tyr194Ter; replaces tyrosine 194 with a stop codon.
Molecular consequence: nonsense. On other transcripts: intron variant (1).
Genome position (GRCh38, 1-based): chr16:2,055,501, A duplicated. VCF-style (leftmost placement, unchanged base first): chr16-2055500-T-TA. GRCh37 (hg19) VCF-style: chr16-2105501-T-TA.
Other names: c.581dup, p.Tyr194Ter (NM_001077183.3, NM_001114382.3, NM_001363528.2 and 3 more transcripts); c.470dup, p.Tyr157Ter (NM_001318827.2); c.434dup, p.Tyr145Ter (NM_001318829.2); c.614dup, p.Tyr205Ter (NM_001318832.2); c.-1-695dup (NM_001318831.2); short protein forms Y157*, Y145*, Y205*, Y194*.
Identifiers: ClinVar variation 418784 (VCV000418784.2), dbSNP rs1555498221, ClinGen allele CA16620086.